The following is an entry in ClinVar:

NM_001291303.3(FAT4):c.550C>G (p.Arg184Gly)

Gene: FAT4 (FAT atypical cadherin 4; plus strand). Cytogenetic location: 4q28.1.
Variant type: single nucleotide variant.
Coding change: c.550C>G on transcript NM_001291303.3 (MANE Select); coding-DNA position 550, C replaced by G.
Protein change: p.Arg184Gly; replaces arginine 184 with glycine.
Molecular consequence: missense variant.
Genome position (GRCh38, 1-based): chr4:125,316,961, C>G. VCF-style: chr4-125316961-C-G. GRCh37 (hg19) VCF-style: chr4-126238116-C-G.
Other names: c.550C>G, p.Arg184Gly (NM_001291285.3, NM_024582.6); short protein forms R184G.
Identifiers: ClinVar variation 1524097 (VCV001524097.8), dbSNP rs775309368, ClinGen allele CA3071832.
Genomic context (GRCh38, chr4:125,316,961, plus strand): 5'-ATCGGCTCAAACGGTGTGGACCACCGCTCCTACCGCATCATCCGCGGCAATGAGGCGGGG[C>G]GCTTCCGTCTGGACATCACCCTGAACCCGAGCGGCGAGGGAGCGTTCCTGCATCTGGTGT-3'
Protein context (NP_001278232.1, residues 174-194): YRIIRGNEAG[Arg184Gly]FRLDITLNPS

ClinVar aggregate classification (germline): Uncertain significance (1 of 4 stars; one submission).

Allele frequency attached by ClinVar (database versions not stated): TOPMed below 0.00001; ExAC 0.00001; gnomAD exomes 0.00001.
gnomAD v4.1: 4 of 1,613,902 alleles (0.00025%); highest among the groups gnomAD compares: Admixed American, 0.005%; no homozygotes.

Submission:

Labcorp Genetics (formerly Invitae), Labcorp
Classification: Uncertain significance. Last evaluated: 2021-04-08. Review status: criteria provided, single submitter. Criteria: Invitae Variant Classification Sherloc (09022015). Collection method: clinical testing. Allele origin: germline.
Comment: In summary, the available evidence is currently insufficient to determine the role of this variant in disease. Therefore, it has been classified as a Variant of Uncertain Significance. Advanced modeling of protein sequence and biophysical properties (such as structural, functional, and spatial information, amino acid conservation, physicochemical variation, residue mobility, and thermodynamic stability) performed at Invitae indicates that this missense variant is not expected to disrupt FAT4 protein function. This variant has not been reported in the literature in individuals with FAT4-related conditions. This variant is present in population databases (rs775309368, ExAC 0.009%). This sequence change replaces arginine with glycine at codon 184 of the FAT4 protein (p.Arg184Gly). The arginine residue is highly conserved and there is a moderate physicochemical difference between arginine and glycine.